The following is an entry in ClinVar:

NM_000045.4(ARG1):c.401C>T (p.Thr134Ile)

Genes: ARG1 (arginase 1; plus strand), MED23 (mediator complex subunit 23; minus strand). Cytogenetic location: 6q23.2.
Variant type: single nucleotide variant.
Coding change: c.401C>T on transcript NM_000045.4 (MANE Select); coding-DNA position 401, C replaced by T.
Protein change: p.Thr134Ile; replaces threonine 134 with isoleucine.
Molecular consequence: missense variant. On other transcripts: non-coding transcript variant (1), intron variant (3).
Genome position (GRCh38, 1-based): chr6:131,581,314, C>T. VCF-style: chr6-131581314-C-T. GRCh37 (hg19) VCF-style: chr6-131902454-C-T.
Other names: c.425C>T, p.Thr142Ile (NM_001244438.2); c.306-1746C>T (NM_001369020.1); c.4077+6395G>A (NM_001270521.2); c.4095+6395G>A (NM_015979.4); short protein forms T142I, T134I.
Identifiers: ClinVar variation 2136470 (VCV002136470.1), dbSNP rs2482369454, ClinGen allele CA365651086.

ClinVar aggregate classification (germline): Pathogenic (1 of 4 stars; one submission).

Conditions:
Arginase deficiency. Also called: Arginase 1 Deficiency; ARGININEMIA; ARG1 DEFICIENCY. Identifiers: Orphanet 90, MedGen C0268548, MONDO:0008814, OMIM 207800.

gnomAD v4.1: 3 of 1,613,910 alleles (0.00019%); no homozygotes.

Submission:

Labcorp Genetics (formerly Invitae), Labcorp
Classification: Pathogenic for Arginase deficiency. Last evaluated: 2022-05-18. Review status: criteria provided, single submitter. Criteria: Invitae Variant Classification Sherloc (09022015). Collection method: clinical testing. Allele origin: germline.
Comment: This sequence change replaces threonine, which is neutral and polar, with isoleucine, which is neutral and non-polar, at codon 134 of the ARG1 protein (p.Thr134Ile). This variant is not present in population databases (gnomAD no frequency). This missense change has been observed in individual(s) with arginase deficiency (PMID: 22959135). Algorithms developed to predict the effect of missense changes on protein structure and function are either unavailable or do not agree on the potential impact of this missense change (SIFT: "Deleterious"; PolyPhen-2: "Probably Damaging"; Align-GVGD: "Class C15"). For these reasons, this variant has been classified as Pathogenic.

Literature cited by the submitters: PubMed 22959135.